The following is an entry in ClinVar:

NM_000719.7(CACNA1C):c.2035T>C (p.Phe679Leu)

Gene: CACNA1C (calcium voltage-gated channel subunit alpha1 C; plus strand). Cytogenetic location: 12p13.33.
Variant type: single nucleotide variant.
Coding change: c.2035T>C on transcript NM_000719.7 (MANE Select); coding-DNA position 2035, T replaced by C.
Protein change: p.Phe679Leu; replaces phenylalanine 679 with leucine.
Molecular consequence: missense variant.
Genome position (GRCh38, 1-based): chr12:2,581,729, T>C. VCF-style: chr12-2581729-T-C. GRCh37 (hg19) VCF-style: chr12-2690895-T-C.
Other names: c.2035T>C, p.Phe679Leu (NM_001129827.2, NM_001129829.2, NM_001129830.3 and 18 more transcripts); c.2026T>C, p.Phe676Leu (NM_001129844.2); short protein forms F676L, F679L.
Identifiers: ClinVar variation 2714388 (VCV002714388.3), dbSNP rs2514758905, ClinGen allele CA383370385.
Genomic context (GRCh38, chr12:2,581,729, plus strand): 5'-TTCCTCTTCATCATCATCTTCTCCCTCCTGGGGATGCAGCTCTTTGGAGGAAAGTTCAAC[T>C]TTGATGAGATGCAGACCCGGAGGAGCACATTCGATAACTTCCCCCAGTCCCTCCTCACTG-3'
Protein context (NP_000710.5, residues 669-689): GMQLFGGKFN[Phe679Leu]DEMQTRRSTF

ClinVar aggregate classification (germline): Uncertain significance (1 of 4 stars; one submission).

Conditions:
Long QT syndrome (LQTS). Identifiers: MedGen C0023976, MeSH D008133, MONDO:0002442. Disease mechanism: loss of function. Inheritance: Various modes of inheritance.

Submission:

Labcorp Genetics (formerly Invitae), Labcorp
Classification: Uncertain significance for Long QT syndrome. Last evaluated: 2024-04-05. Review status: criteria provided, single submitter. Criteria: Invitae Variant Classification Sherloc (09022015). Collection method: clinical testing. Allele origin: germline.
Comment: This sequence change replaces phenylalanine, which is neutral and non-polar, with leucine, which is neutral and non-polar, at codon 679 of the CACNA1C protein (p.Phe679Leu). This variant is not present in population databases (gnomAD no frequency). This variant has not been reported in the literature in individuals affected with CACNA1C-related conditions. Advanced modeling of protein sequence and biophysical properties (such as structural, functional, and spatial information, amino acid conservation, physicochemical variation, residue mobility, and thermodynamic stability) has been performed at Invitae for this missense variant, however the output from this modeling did not meet the statistical confidence thresholds required to predict the impact of this variant on CACNA1C protein function. In summary, the available evidence is currently insufficient to determine the role of this variant in disease. Therefore, it has been classified as a Variant of Uncertain Significance.